The following is an entry in ClinVar:

ClinVar aggregate classification (germline): Likely pathogenic (1 of 4 stars; one submission).

Submission:

GeneDx
Classification: Likely pathogenic. Last evaluated: 2018-08-20. Review status: criteria provided, single submitter. Criteria: GeneDx Variant Classification (06012015). Collection method: clinical testing. Allele origin: germline. Affected: yes.
Comment: The L291X variant in the WDR73 gene has not been reported previously as a pathogenic variant nor as a benign variant, to our knowledge. This variant is predicted to cause loss of normal protein function either through protein truncation or nonsense-mediated mRNA decay. The L291X variant is not observed in large population cohorts (Lek et al., 2016). We interpret L291X as a likely pathogenic variant.

NM_032856.5(WDR73):c.872T>A (p.Leu291Ter)

Gene: WDR73 (WD repeat domain 73; minus strand). Cytogenetic location: 15q25.2.
Variant type: single nucleotide variant.
Coding change: c.872T>A on transcript NM_032856.5 (MANE Select); coding-DNA position 872, T replaced by A.
Protein change: p.Leu291Ter; replaces leucine 291 with a stop codon.
Molecular consequence: nonsense. On other transcripts: non-coding transcript variant (4).
Genome position (GRCh38, 1-based): chr15:84,645,482, A>T on the plus strand (T>A on the coding strand, the complement: WDR73 is on the minus strand). VCF-style: chr15-84645482-A-T. GRCh37 (hg19) VCF-style: chr15-85188713-A-T.
Other names: short protein forms L291*.
Identifiers: ClinVar variation 620324 (VCV000620324.1), dbSNP rs1567021756, ClinGen allele CA393352793.